The following is an entry in ClinVar:

NM_004004.6(GJB2):c.239A>G (p.Gln80Arg)

Gene: GJB2 (gap junction protein beta 2; minus strand). Cytogenetic location: 13q12.11.
Variant type: single nucleotide variant.
Coding change: c.239A>G on transcript NM_004004.6 (MANE Select); coding-DNA position 239, A replaced by G.
Protein change: p.Gln80Arg; replaces glutamine 80 with arginine.
Molecular consequence: missense variant.
Genome position (GRCh38, 1-based): chr13:20,189,343, T>C on the plus strand (A>G on the coding strand, the complement: GJB2 is on the minus strand). VCF-style: chr13-20189343-T-C. GRCh37 (hg19) VCF-style: chr13-20763482-T-C.
Other names: short protein forms Q80R.
Identifiers: ClinVar variation 2506297 (VCV002506297.1), dbSNP rs727504302, ClinGen allele CA387461561.

ClinVar aggregate classification (germline): Uncertain significance (1 of 4 stars; one submission).

Submission:

Women's Health and Genetics/Laboratory Corporation of America, LabCorp
Classification: Uncertain significance. Last evaluated: 2023-05-17. Review status: criteria provided, single submitter. Criteria: LabCorp Variant Classification Summary - May 2015. Collection method: clinical testing. Allele origin: germline.
Comment: Variant summary: GJB2 c.239A>G (p.Gln80Arg) results in a conservative amino acid change located in the connexin, N-terminal domain (IPR013092) of the encoded protein sequence. Four of five in-silico tools predict a damaging effect of the variant on protein function. The variant was absent in 251406 control chromosomes (gnomAD). c.239A>G has been reported in the literature in the homozygous state in an individual affected with Non-Syndromic Hearing Loss and as an uninformative genotype (heterozygosity versus compound heterozygosity not specified) in at least one other affected individual (e.g. Uyguner_2003, Chen_2011, Xing_2013). These data indicate that the variant may be associated with disease. To our knowledge, no experimental evidence demonstrating an impact on protein function has been reported. However, other variants affecting the same amino acid (i.e. pQ80H, p.Q80L, pQ80K, p.Q80P) have been reported in association with hearing loss in the literature (HGMD database), suggesting the Gln80 residue may be important for protein function. The following publications have been ascertained in the context of this evaluation (PMID: 21777984, 12791041, 27785406). No clinical diagnostic laboratories have submitted clinical-significance assessments for this variant to ClinVar after 2014. Based on the evidence outlined above, the variant was classified as VUS-possibly pathogenic.

Literature cited by the submitters: PubMed 27785406; PubMed 21777984; PubMed 12791041.